The following is an entry in ClinVar:

NM_004369.4(COL6A3):c.6002T>C (p.Met2001Thr)

Gene: COL6A3 (collagen type VI alpha 3 chain; minus strand). Cytogenetic location: 2q37.3.
Variant type: single nucleotide variant.
Coding change: c.6002T>C on transcript NM_004369.4 (MANE Select); coding-DNA position 6002, T replaced by C.
Protein change: p.Met2001Thr; replaces methionine 2001 with threonine.
Molecular consequence: missense variant.
Genome position (GRCh38, 1-based): chr2:237,363,314, A>G on the plus strand (T>C on the coding strand, the complement: COL6A3 is on the minus strand). VCF-style: chr2-237363314-A-G. GRCh37 (hg19) VCF-style: chr2-238271957-A-G.
Other names: c.4181T>C, p.Met1394Thr (NM_057166.5); c.5384T>C, p.Met1795Thr (NM_057167.4); short protein forms M2001T, M1394T, M1795T.
Identifiers: ClinVar variation 4749597 (VCV004749597.1).

ClinVar aggregate classification (germline): Uncertain significance (1 of 4 stars; one submission).

Conditions:
Bethlem myopathy 1A. Also called: Bethlem myopathy 1; Bethlem Muscular Dystrophy; MYOPATHY, BENIGN CONGENITAL, WITH CONTRACTURES. Identifiers: Orphanet 610, MedGen CN029274, MONDO:0024530, OMIM 158810.

gnomAD v4.1: 9 of 1,614,054 alleles (0.00056%); highest among the groups gnomAD compares: Non-Finnish European, 0.00076%; no homozygotes.

Submission:

Labcorp Genetics (formerly Invitae), Labcorp
Classification: Uncertain significance for Bethlem myopathy 1A. Last evaluated: 2025-10-13. Review status: criteria provided, single submitter. Criteria: Invitae Variant Classification Sherloc (09022015). Collection method: clinical testing. Allele origin: germline.
Comment: This sequence change replaces methionine, which is neutral and non-polar, with threonine, which is neutral and polar, at codon 2001 of the COL6A3 protein (p.Met2001Thr). This variant is present in population databases (no rsID available, gnomAD 0.002%). This variant has not been reported in the literature in individuals affected with COL6A3-related conditions. Invitae Evidence Modeling of protein sequence and biophysical properties (such as structural, functional, and spatial information, amino acid conservation, physicochemical variation, residue mobility, and thermodynamic stability) indicates that this missense variant is not expected to disrupt COL6A3 protein function with a negative predictive value of 80%. In summary, the available evidence is currently insufficient to determine the role of this variant in disease. Therefore, it has been classified as a Variant of Uncertain Significance.